The following is an entry in ClinVar:

NM_001042492.3(NF1):c.1118T>C (p.Val373Ala)

Gene: NF1 (neurofibromin 1; plus strand). Cytogenetic location: 17q11.2.
Variant type: single nucleotide variant.
Coding change: c.1118T>C on transcript NM_001042492.3 (MANE Select); coding-DNA position 1118, T replaced by C.
Protein change: p.Val373Ala; replaces valine 373 with alanine.
Molecular consequence: missense variant.
Genome position (GRCh38, 1-based): chr17:31,201,092, T>C. VCF-style: chr17-31201092-T-C. GRCh37 (hg19) VCF-style: chr17-29528110-T-C.
Other names: c.1118T>C, p.Val373Ala (NM_000267.4, NM_001128147.3); short protein forms V373A.
Identifiers: ClinVar variation 661072 (VCV000661072.5), dbSNP rs1597682016, ClinGen allele CA398996956.

ClinVar aggregate classification (germline): Uncertain significance (1 of 4 stars; one submission).

Conditions:
Neurofibromatosis, type 1 (NF1). Also called: VON RECKLINGHAUSEN DISEASE; NEUROFIBROMATOSIS, TYPE I, SOMATIC; Peripheral type neurofibromatosis; Neurofibromatosis, type I. Identifiers: Orphanet 636, MedGen C0027831, MONDO:0018975, OMIM 162200. Disease mechanism: loss of function.

Allele frequency attached by ClinVar (database versions not stated): gnomAD exomes below 0.00001.
gnomAD v4.1: 1 of 1,614,122 alleles (0.000062%); highest among the groups gnomAD compares: Non-Finnish European, 0.000085%; no homozygotes.

Submission:

Labcorp Genetics (formerly Invitae), Labcorp
Classification: Uncertain significance for Neurofibromatosis, type 1. Last evaluated: 2018-10-01. Review status: criteria provided, single submitter. Criteria: Invitae Variant Classification Sherloc (09022015). Collection method: clinical testing. Allele origin: germline.
Comment: This sequence change replaces valine with alanine at codon 373 of the NF1 protein (p.Val373Ala). The valine residue is highly conserved and there is a small physicochemical difference between valine and alanine. This variant is not present in population databases (ExAC no frequency). This variant has not been reported in the literature in individuals with NF1-related disease. Algorithms developed to predict the effect of missense changes on protein structure and function (SIFT, PolyPhen-2, Align-GVGD) all suggest that this variant is likely to be tolerated, but these predictions have not been confirmed by published functional studies and their clinical significance is uncertain. In summary, the available evidence is currently insufficient to determine the role of this variant in disease. Therefore, it has been classified as a Variant of Uncertain Significance.